The following is an entry in ClinVar:

NM_016327.3(UPB1):c.960A>G (p.Ala320=)

Gene: UPB1 (beta-ureidopropionase 1; plus strand). Cytogenetic location: 22q11.23.
Variant type: single nucleotide variant.
Coding change: c.960A>G on transcript NM_016327.3 (MANE Select); coding-DNA position 960, A replaced by G.
Protein change: p.Ala320=; no amino-acid change (alanine 320 retained).
Molecular consequence: synonymous variant.
Genome position (GRCh38, 1-based): chr22:24,523,662, A>G. VCF-style: chr22-24523662-A-G. GRCh37 (hg19) VCF-style: chr22-24919630-A-G.
Identifiers: ClinVar variation 4979241 (VCV004979241.1).
Genomic context (GRCh38, chr22:24,523,662, plus strand): 5'-TCTTTGTTCCTTTAAAGCTCACCAGGACTTTGGCTACTTTTATGGCTCGAGCTATGTGGC[A>G]GCCCCTGACAGCAGCCGGACTCCTGGGCTGTCCCGTAGCCGGGATGGACTGCTAGTTGCT-3'
Protein context (NP_057411.1, residues 310-330): FGYFYGSSYV[Ala320=]APDSSRTPGL

ClinVar aggregate classification (germline): Likely benign (1 of 4 stars; one submission).

Conditions:
UPB1-related disorder. Also called: UPB1-related condition.

gnomAD v4.1: 15 of 1,614,116 alleles (0.00093%); highest among the groups gnomAD compares: Non-Finnish European, 0.0012%; no homozygotes.

Submission:

PreventionGenetics, part of Exact Sciences
Classification: Likely benign for UPB1-related condition. Last evaluated: 2025-02-24. Review status: criteria provided, single submitter. Criteria: ACMG Guidelines, 2015. Collection method: clinical testing. Allele origin: germline.
Comment: This variant is classified as likely benign based on ACMG/AMP sequence variant interpretation guidelines (Richards et al. 2015 PMID: 25741868, with internal and published modifications).